The following is an entry in ClinVar:

NM_005428.4(VAV1):c.1396A>C (p.Lys466Gln)

Gene: VAV1 (vav guanine nucleotide exchange factor 1; plus strand). Cytogenetic location: 19p13.3.
Variant type: single nucleotide variant.
Coding change: c.1396A>C on transcript NM_005428.4 (MANE Select); coding-DNA position 1396, A replaced by C.
Protein change: p.Lys466Gln; replaces lysine 466 with glutamine.
Molecular consequence: missense variant.
Genome position (GRCh38, 1-based): chr19:6,829,916, A>C. VCF-style: chr19-6829916-A-C. GRCh37 (hg19) VCF-style: chr19-6829927-A-C.
Other names: c.1396A>C, p.Lys466Gln (NM_001258206.2); c.1300A>C, p.Lys434Gln (NM_001258207.2); short protein forms K466Q, K434Q.
Identifiers: ClinVar variation 3693314 (VCV003693314.2).

ClinVar aggregate classification (germline): Uncertain significance (1 of 4 stars; one submission).

gnomAD v4.1: 1 of 1,614,082 alleles (0.000062%); highest among the groups gnomAD compares: Admixed American, 0.0017%; no homozygotes.

Submission:

Labcorp Genetics (formerly Invitae), Labcorp
Classification: Uncertain significance. Last evaluated: 2024-02-17. Review status: criteria provided, single submitter. Criteria: Invitae Variant Classification Sherloc (09022015). Collection method: clinical testing. Allele origin: germline.
Comment: This sequence change replaces lysine, which is basic and polar, with glutamine, which is neutral and polar, at codon 466 of the VAV1 protein (p.Lys466Gln). This variant is not present in population databases (gnomAD no frequency). This variant has not been reported in the literature in individuals affected with VAV1-related conditions. An algorithm developed to predict the effect of missense changes on protein structure and function (PolyPhen-2) suggests that this variant is likely to be disruptive. In summary, the available evidence is currently insufficient to determine the role of this variant in disease. Therefore, it has been classified as a Variant of Uncertain Significance.